The following is an entry in ClinVar:

NM_022367.4(SEMA4A):c.298A>C (p.Met100Leu)

Gene: SEMA4A (semaphorin 4A; plus strand). Cytogenetic location: 1q22.
Variant type: single nucleotide variant.
Coding change: c.298A>C on transcript NM_022367.4 (MANE Select); coding-DNA position 298, A replaced by C.
Protein change: p.Met100Leu; replaces methionine 100 with leucine.
Molecular consequence: missense variant. On other transcripts: initiator codon variant (2), 5 prime UTR variant (2).
Genome position (GRCh38, 1-based): chr1:156,156,572, A>C. VCF-style: chr1-156156572-A-C. GRCh37 (hg19) VCF-style: chr1-156126363-A-C.
Other names: c.298A>C, p.Met100Leu (NM_001193300.2, NM_001193301.2, NM_001370567.1); c.1A>C, p.Met1Leu (NM_001193302.2, NM_001370568.1); c.-227A>C (NM_001370569.1, NM_001370571.1); short protein forms M100L, M1L.
Identifiers: ClinVar variation 3687279 (VCV003687279.2).
Genomic context (GRCh38, chr1:156,156,572, plus strand): 5'-GCTCGAGAAGCCATTCTGGCCTTGGATATCCAGGATCCAGGGGTCCCCAGGCTAAAGAAC[A>C]TGGTGAGGAGTCCAGGGATAAAGAGTGTGGGCTGGGAGTGAAGAGGGGGCCGGCAGCTAC-3'
Protein context (NP_071762.2, residues 90-110): QDPGVPRLKN[Met100Leu]IPWPASDRKK

ClinVar aggregate classification (germline): Uncertain significance (1 of 4 stars; one submission).

Submission:

Labcorp Genetics (formerly Invitae), Labcorp
Classification: Uncertain significance. Last evaluated: 2024-02-21. Review status: criteria provided, single submitter. Criteria: Invitae Variant Classification Sherloc (09022015). Collection method: clinical testing. Allele origin: germline.
Comment: This sequence change replaces methionine, which is neutral and non-polar, with leucine, which is neutral and non-polar, at codon 100 of the SEMA4A protein (p.Met100Leu). This variant is not present in population databases (gnomAD no frequency). This variant has not been reported in the literature in individuals affected with SEMA4A-related conditions. An algorithm developed to predict the effect of missense changes on protein structure and function (PolyPhen-2) suggests that this variant is likely to be tolerated. In summary, the available evidence is currently insufficient to determine the role of this variant in disease. Therefore, it has been classified as a Variant of Uncertain Significance.